The following is an entry in ClinVar:

NM_194313.4(KIF24):c.1697C>T (p.Ser566Phe)

Gene: KIF24 (kinesin family member 24; minus strand). Cytogenetic location: 9p13.3.
Variant type: single nucleotide variant.
Coding change: c.1697C>T on transcript NM_194313.4 (MANE Select); coding-DNA position 1697, C replaced by T.
Protein change: p.Ser566Phe; replaces serine 566 with phenylalanine.
Molecular consequence: missense variant.
Genome position (GRCh38, 1-based): chr9:34,257,910, G>A on the plus strand (C>T on the coding strand, the complement: KIF24 is on the minus strand). VCF-style: chr9-34257910-G-A. GRCh37 (hg19) VCF-style: chr9-34257908-G-A.
Other names: short protein forms S566F.
Identifiers: ClinVar variation 2659155 (VCV002659155.24), dbSNP rs139062260, ClinGen allele CA5032085.

ClinVar aggregate classification (germline): Likely benign (1 of 4 stars; one submission).

Allele frequency attached by ClinVar (database versions not stated): 1000 Genomes Project 30x 0.00250; 1000 Genomes Project 0.00260; ExAC 0.00580; gnomAD 0.00589; TOPMed 0.00627; ESP Exome Variant Server 0.00761.
gnomAD v4.1: 15,090 of 1,613,950 alleles (0.93%); highest among the groups gnomAD compares: Non-Finnish European, 1.2%; 95 homozygotes.

Submission:

CeGaT Center for Human Genetics Tuebingen
Classification: Likely benign. Last evaluated: 2026-05-01. Review status: criteria provided, single submitter. Criteria: CeGaT Center For Human Genetics Tuebingen Variant Classification Criteria Version 2. Collection method: clinical testing. Allele origin: germline. Affected: yes. Observed: 3 variant alleles.
Comment: KIF24: BP4